The following is an entry in ClinVar:

NM_001048174.2(MUTYH):c.700C>A (p.Leu234Ile)

Gene: MUTYH (mutY DNA glycosylase; minus strand). Cytogenetic location: 1p34.1.
Variant type: single nucleotide variant.
Coding change: c.700C>A on transcript NM_001048174.2 (MANE Select); coding-DNA position 700, C replaced by A.
Protein change: p.Leu234Ile; replaces leucine 234 with isoleucine.
Molecular consequence: missense variant. On other transcripts: non-coding transcript variant (7).
Genome position (GRCh38, 1-based): chr1:45,332,395, G>T on the plus strand (C>A on the coding strand, the complement: MUTYH is on the minus strand). VCF-style: chr1-45332395-G-T. GRCh37 (hg19) VCF-style: chr1-45798067-G-T.
Other names: c.700C>A, p.Leu234Ile (NM_001048171.2, NM_001048173.2, NM_001407081.1 and 6 more transcripts); c.703C>A, p.Leu235Ile (NM_001048172.2, NM_001407078.1, NM_001407086.1 and 1 more transcripts); c.784C>A, p.Leu262Ile (NM_001128425.2); c.745C>A, p.Leu249Ile (NM_001293190.2); c.733C>A, p.Leu245Ile (NM_001293191.2, NM_001407077.1, NM_001407069.1); c.424C>A, p.Leu142Ile (NM_001293192.2, NM_001407091.1, NM_001293196.2); c.661C>A, p.Leu221Ile (NM_001407079.1); c.658C>A, p.Leu220Ile (NM_001407080.1); and 5 more; short protein forms L119I, L206I, L235I, L241I, L221I, L248I, L220I, L249I.
Identifiers: ClinVar variation 4113841 (VCV004113841.1).

ClinVar aggregate classification (germline): Uncertain significance (1 of 4 stars; one submission).

Conditions:
Hereditary cancer-predisposing syndrome. Also called: Hereditary neoplastic syndrome; Neoplastic Syndromes, Hereditary; Tumor predisposition; Hereditary Cancer Syndrome. Identifiers: Orphanet 140162, MedGen C0027672, MeSH D009386, MONDO:0015356.

Submission:

Ambry Genetics
Classification: Uncertain significance for Hereditary cancer-predisposing syndrome. Last evaluated: 2025-08-27. Review status: criteria provided, single submitter. Criteria: Ambry Variant Classification Scheme 2023. Collection method: clinical testing. Allele origin: germline.
Comment: The p.L262I variant (also known as c.784C>A), located in coding exon 9 of the MUTYH gene, results from a C to A substitution at nucleotide position 784. The leucine at codon 262 is replaced by isoleucine, an amino acid with highly similar properties. This amino acid position is conserved. In addition, the in silico prediction for this alteration is inconclusive. Based on the available evidence, the clinical significance of this variant remains unclear.